The following is an entry in ClinVar:

ClinVar aggregate classification (germline): Uncertain significance (1 of 4 stars; one submission).

Allele frequency attached by ClinVar (database versions not stated): gnomAD exomes below 0.00001.
gnomAD v4.1: 1 of 1,613,142 alleles (0.000062%); highest among the groups gnomAD compares: Non-Finnish European, 0.000085%; no homozygotes.

Submission:

Labcorp Genetics (formerly Invitae), Labcorp
Classification: Uncertain significance. Last evaluated: 2024-10-24. Review status: criteria provided, single submitter. Criteria: Invitae Variant Classification Sherloc (09022015). Collection method: clinical testing. Allele origin: germline.
Comment: This sequence change replaces asparagine, which is neutral and polar, with serine, which is neutral and polar, at codon 79 of the SLC13A3 protein (p.Asn79Ser). This variant is not present in population databases (gnomAD no frequency). This variant has not been reported in the literature in individuals affected with SLC13A3-related conditions. ClinVar contains an entry for this variant (Variation ID: 2012158). Invitae Evidence Modeling of protein sequence and biophysical properties (such as structural, functional, and spatial information, amino acid conservation, physicochemical variation, residue mobility, and thermodynamic stability) indicates that this missense variant is not expected to disrupt SLC13A3 protein function with a negative predictive value of 80%. In summary, the available evidence is currently insufficient to determine the role of this variant in disease. Therefore, it has been classified as a Variant of Uncertain Significance.

NM_022829.6(SLC13A3):c.236A>G (p.Asn79Ser)

Gene: SLC13A3 (solute carrier family 13 member 3; minus strand). Cytogenetic location: 20q13.12.
Variant type: single nucleotide variant.
Coding change: c.236A>G on transcript NM_022829.6 (MANE Select); coding-DNA position 236, A replaced by G.
Protein change: p.Asn79Ser; replaces asparagine 79 with serine.
Molecular consequence: missense variant. On other transcripts: intron variant (1).
Genome position (GRCh38, 1-based): chr20:46,613,601, T>C on the plus strand (A>G on the coding strand, the complement: SLC13A3 is on the minus strand). VCF-style: chr20-46613601-T-C. GRCh37 (hg19) VCF-style: chr20-45242240-T-C.
Other names: c.95A>G, p.Asn32Ser (NM_001011554.3, NM_001193340.2); c.236A>G, p.Asn79Ser (NM_001193339.2); c.-10-49A>G (NM_001193342.2); short protein forms N32S, N79S.
Identifiers: ClinVar variation 2012158 (VCV002012158.4), dbSNP rs976603146, ClinGen allele CA315749332.
Genomic context (GRCh38, chr20:46,613,601, plus strand): 5'-ATGATCAGCCCACTGAGGAAGAGGAAGTTGGTGTCGAGGAAGTACTGGGGGCAGACCTTG[T>C]TGGAGGGCAAGATGCCCATGAAGGGGAAGAGGACGATGGGCAGCAGCGCCGTCACTGAGA-3'
Protein context (NP_073740.2, residues 69-89): LFPFMGILPS[Asn79Ser]KVCPQYFLDT